The following is an entry in ClinVar:

NM_000264.5(PTCH1):c.4064C>T (p.Thr1355Ile)

Gene: PTCH1 (patched 1; minus strand). Cytogenetic location: 9q22.32.
Variant type: single nucleotide variant.
Coding change: c.4064C>T on transcript NM_000264.5 (MANE Select); coding-DNA position 4064, C replaced by T.
Protein change: p.Thr1355Ile; replaces threonine 1355 with isoleucine.
Molecular consequence: missense variant. On other transcripts: non-coding transcript variant (1).
Genome position (GRCh38, 1-based): chr9:95,447,192, G>A on the plus strand (C>T on the coding strand, the complement: PTCH1 is on the minus strand). VCF-style: chr9-95447192-G-A. GRCh37 (hg19) VCF-style: chr9-98209474-G-A.
Other names: c.3866C>T, p.Thr1289Ile (NM_001083602.3); c.4061C>T, p.Thr1354Ile (NM_001083603.3); c.3611C>T, p.Thr1204Ile (NM_001083604.3, NM_001083605.3, NM_001083606.3 and 1 more transcripts); c.3908C>T, p.Thr1303Ile (NM_001354918.2); short protein forms T1204I, T1354I, T1355I, T1289I, T1303I.
Identifiers: ClinVar variation 664212 (VCV000664212.12), dbSNP rs779482395, ClinGen allele CA5137963.

ClinVar aggregate classification (germline): Uncertain significance. Review status: criteria provided, multiple submitters, no conflicts (2 of 4 stars). 2 submissions from 2 submitters: Uncertain significance (2). Last evaluated 2023-07-25.

Conditions:
Hereditary cancer-predisposing syndrome. Also called: Neoplastic Syndromes, Hereditary; Hereditary neoplastic syndrome; Tumor predisposition; Hereditary Cancer Syndrome. Identifiers: Orphanet 140162, MedGen C0027672, MeSH D009386, MONDO:0015356.
Gorlin syndrome. Also called: Nevoid Basal Cell Carcinoma Syndrome; Basal cell nevus syndrome. Identifiers: Orphanet 377, MedGen C0004779, MONDO:0007187.

Allele frequency attached by ClinVar (database versions not stated): ExAC 0.00001.
gnomAD v4.1: 1 of 1,613,036 alleles (0.000062%); highest among the groups gnomAD compares: East Asian, 0.0022%; no homozygotes.

Submissions (2):

Labcorp Genetics (formerly Invitae), Labcorp
Classification: Uncertain significance for Gorlin syndrome. Last evaluated: 2023-07-25. Review status: criteria provided, single submitter. Criteria: Invitae Variant Classification Sherloc (09022015). Collection method: clinical testing. Allele origin: germline.
Comment: Advanced modeling of protein sequence and biophysical properties (such as structural, functional, and spatial information, amino acid conservation, physicochemical variation, residue mobility, and thermodynamic stability) performed at Invitae indicates that this missense variant is not expected to disrupt PTCH1 protein function. In summary, the available evidence is currently insufficient to determine the role of this variant in disease. Therefore, it has been classified as a Variant of Uncertain Significance. ClinVar contains an entry for this variant (Variation ID: 664212). This variant has not been reported in the literature in individuals affected with PTCH1-related conditions. This variant is present in population databases (rs779482395, gnomAD 0.006%). This sequence change replaces threonine, which is neutral and polar, with isoleucine, which is neutral and non-polar, at codon 1355 of the PTCH1 protein (p.Thr1355Ile).

Ambry Genetics
Classification: Uncertain significance for Hereditary cancer-predisposing syndrome. Last evaluated: 2022-12-08. Review status: criteria provided, single submitter. Criteria: Ambry Variant Classification Scheme 2023. Collection method: clinical testing. Allele origin: germline.
Comment: The p.T1355I variant (also known as c.4064C>T), located in coding exon 23 of the PTCH1 gene, results from a C to T substitution at nucleotide position 4064. The threonine at codon 1355 is replaced by isoleucine, an amino acid with similar properties. This amino acid position is not well conserved in available vertebrate species. In addition, this alteration is predicted to be tolerated by in silico analysis. Since supporting evidence is limited at this time, the clinical significance of this alteration remains unclear.